The following is an entry in ClinVar:

NM_152383.5(DIS3L2):c.334G>A (p.Val112Ile)

Gene: DIS3L2 (DIS3 like 3'-5' exoribonuclease 2; plus strand). Cytogenetic location: 2q37.1.
Variant type: single nucleotide variant.
Coding change: c.334G>A on transcript NM_152383.5 (MANE Select); coding-DNA position 334, G replaced by A.
Protein change: p.Val112Ile; replaces valine 112 with isoleucine.
Molecular consequence: missense variant. On other transcripts: non-coding transcript variant (2).
Genome position (GRCh38, 1-based): chr2:232,030,048, G>A. VCF-style: chr2-232030048-G-A. GRCh37 (hg19) VCF-style: chr2-232894758-G-A.
Other names: c.334G>A, p.Val112Ile (NM_001257281.2, NM_001257282.2); short protein forms V112I.
Identifiers: ClinVar variation 2726301 (VCV002726301.3), dbSNP rs1363759870, ClinGen allele CA351152985.

ClinVar aggregate classification (germline): Uncertain significance (1 of 4 stars; one submission).

Conditions:
Perlman syndrome (PRLMNS). Identifiers: Orphanet 2849, MedGen C0796113, MONDO:0009965, OMIM 267000.

Submission:

Labcorp Genetics (formerly Invitae), Labcorp
Classification: Uncertain significance for Perlman syndrome. Last evaluated: 2023-09-17. Review status: criteria provided, single submitter. Criteria: Invitae Variant Classification Sherloc (09022015). Collection method: clinical testing. Allele origin: germline.
Comment: This sequence change replaces valine, which is neutral and non-polar, with isoleucine, which is neutral and non-polar, at codon 112 of the DIS3L2 protein (p.Val112Ile). This variant is not present in population databases (gnomAD no frequency). This variant has not been reported in the literature in individuals affected with DIS3L2-related conditions. Advanced modeling of protein sequence and biophysical properties (such as structural, functional, and spatial information, amino acid conservation, physicochemical variation, residue mobility, and thermodynamic stability) performed at Invitae indicates that this missense variant is not expected to disrupt DIS3L2 protein function. In summary, the available evidence is currently insufficient to determine the role of this variant in disease. Therefore, it has been classified as a Variant of Uncertain Significance.